The following is an entry in ClinVar:

NM_133261.3(GIPC3):c.174C>T (p.Val58=)

Gene: GIPC3 (GIPC PDZ domain containing family member 3; plus strand). Cytogenetic location: 19p13.3.
Variant type: single nucleotide variant.
Coding change: c.174C>T on transcript NM_133261.3 (MANE Select); coding-DNA position 174, C replaced by T.
Protein change: p.Val58=; no amino-acid change (valine 58 retained).
Molecular consequence: synonymous variant.
Genome position (GRCh38, 1-based): chr19:3,585,771, C>T. VCF-style: chr19-3585771-C-T. GRCh37 (hg19) VCF-style: chr19-3585769-C-T.
Other names: c.174C>T (NM_133261.2); c.174C>T, p.Val58= (NM_001411144.1).
Identifiers: ClinVar variation 1914527 (VCV001914527.6), dbSNP rs942647950, ClinGen allele CA304414433.
Genomic context (GRCh38, chr19:3,585,771, plus strand): 5'-CTTCCGCACGCAGCTGGCGCACGGGAGCCCCACGGGCAAGATCGAGGGCTTCACCAACGT[C>T]CGCGAGCTGTACGCCAAGATCGCCGAAGCCTTCGGGATCGCGCCCACCGAGGTAAGGAGC-3'
Protein context (NP_573568.1, residues 48-68): PTGKIEGFTN[Val58=]RELYAKIAEA

ClinVar aggregate classification (germline): Conflicting classifications of pathogenicity. Review status: criteria provided, conflicting classifications (1 of 4 stars). 2 submissions from 2 submitters: Uncertain significance (1); Likely benign (1). Last evaluated 2024-05-06.

Allele frequency attached by ClinVar (database versions not stated): gnomAD 0.00001; gnomAD exomes 0.00005; TOPMed 0.00005.

Submissions (2):

Labcorp Genetics (formerly Invitae), Labcorp
Classification: Likely benign. Last evaluated: 2024-05-06. Review status: criteria provided, single submitter. Criteria: Invitae Variant Classification Sherloc (09022015). Collection method: clinical testing. Allele origin: germline.

GeneDx
Classification: Uncertain significance. Last evaluated: 2023-07-10. Review status: criteria provided, single submitter. Criteria: GeneDx Variant Classification Process June 2021. Collection method: clinical testing. Allele origin: germline. Affected: yes.
Comment: In silico analysis supports that this variant does not alter splicing; Has not been previously published as pathogenic or benign to our knowledge